The following is an entry in ClinVar:

NM_032043.3(BRIP1):c.1853C>G (p.Ser618Ter)

Gene: BRIP1 (BRCA1 interacting DNA helicase 1; minus strand). Cytogenetic location: 17q23.2.
Variant type: single nucleotide variant.
Coding change: c.1853C>G on transcript NM_032043.3 (MANE Select); coding-DNA position 1853, C replaced by G.
Protein change: p.Ser618Ter; replaces serine 618 with a stop codon.
Molecular consequence: nonsense.
Genome position (GRCh38, 1-based): chr17:61,780,343, G>C on the plus strand (C>G on the coding strand, the complement: BRIP1 is on the minus strand). VCF-style: chr17-61780343-G-C. GRCh37 (hg19) VCF-style: chr17-59857704-G-C.
Other names: short protein forms S618*.
Identifiers: ClinVar variation 1781367 (VCV001781367.2), dbSNP rs2145078770, ClinGen allele CA400480112.
Genomic context (GRCh38, chr17:61,780,343, plus strand): 5'-TTAGCCTCCAGCTGGATAGTAAATGTAACACCAAGTTCTGACGAAAAGGATTTCATTGGT[G>C]ATAATGTACCAGATGTCAAAACAATGGTCTGAACTTTGCCATTAATATCTGAAAAGGCCT-3'

ClinVar aggregate classification (germline): Pathogenic (1 of 4 stars; one submission).

Conditions:
Hereditary cancer-predisposing syndrome. Also called: Neoplastic Syndromes, Hereditary; Tumor predisposition; Hereditary Cancer Syndrome; Hereditary neoplastic syndrome. Identifiers: Orphanet 140162, MedGen C0027672, MeSH D009386, MONDO:0015356.

Submission:

Ambry Genetics
Classification: Pathogenic for Hereditary cancer-predisposing syndrome. Last evaluated: 2021-12-30. Review status: criteria provided, single submitter. Criteria: Ambry Variant Classification Scheme 2023. Collection method: clinical testing. Allele origin: germline.
Comment: The p.S618* pathogenic mutation (also known as c.1853C>G), located in coding exon 12 of the BRIP1 gene, results from a C to G substitution at nucleotide position 1853. This changes the amino acid from a serine to a stop codon within coding exon 12. This variant is considered to be rare based on population cohorts in the Genome Aggregation Database (gnomAD). This alteration is expected to result in loss of function by premature protein truncation or nonsense-mediated mRNA decay. As such, this alteration is interpreted as a disease-causing mutation.